The following is an entry in ClinVar:

ClinVar aggregate classification (germline): Likely benign (0 of 4 stars; one submission).

Conditions:
FLI1-related disorder. Also called: FLI1-related condition.

Allele frequency attached by ClinVar (database versions not stated): gnomAD exomes below 0.00001.
gnomAD v4.1: 1 of 1,611,410 alleles (0.000062%); highest among the groups gnomAD compares: Non-Finnish European, 0.000085%; no homozygotes.

Submission:

PreventionGenetics, part of Exact Sciences
Classification: Likely benign for FLI1-related condition. Last evaluated: 2020-07-08. Review status: no assertion criteria provided. Collection method: clinical testing. Allele origin: germline.
Comment: This variant is classified as likely benign based on ACMG/AMP sequence variant interpretation guidelines (Richards et al. 2015 PMID: 25741868, with internal and published modifications).

NM_002017.5(FLI1):c.900C>T (p.Ile300=)

Gene: FLI1 (Fli-1 proto-oncogene, ETS transcription factor; plus strand). Cytogenetic location: 11q24.3.
Variant type: single nucleotide variant.
Coding change: c.900C>T on transcript NM_002017.5 (MANE Select); coding-DNA position 900, C replaced by T.
Protein change: p.Ile300=; no amino-acid change (isoleucine 300 retained).
Molecular consequence: synonymous variant.
Genome position (GRCh38, 1-based): chr11:128,810,529, C>T. VCF-style: chr11-128810529-C-T. GRCh37 (hg19) VCF-style: chr11-128680424-C-T.
Other names: c.801C>T, p.Ile267= (NM_001167681.3); c.702C>T, p.Ile234= (NM_001271010.2); c.321C>T, p.Ile107= (NM_001271012.2).
Identifiers: ClinVar variation 3036291 (VCV003036291.2), dbSNP rs1325974001, ClinGen allele CA477702405.